The following is an entry in ClinVar:

NM_001356.5(DDX3X):c.23A>G (p.Asn8Ser)

Gene: DDX3X (DEAD-box helicase 3 X-linked; plus strand). Cytogenetic location: Xp11.4.
Variant type: single nucleotide variant.
Coding change: c.23A>G on transcript NM_001356.5 (MANE Select); coding-DNA position 23, A replaced by G.
Protein change: p.Asn8Ser; replaces asparagine 8 with serine.
Molecular consequence: missense variant. On other transcripts: 5 prime UTR variant (1), non-coding transcript variant (2).
Genome position (GRCh38, 1-based): chrX:41,334,275, A>G. VCF-style: chrX-41334275-A-G. GRCh37 (hg19) VCF-style: chrX-41193528-A-G.
Other names: c.23A>G, p.Asn8Ser (NM_001193416.3, NM_001193417.3); c.-1881A>G (NM_001363819.1); short protein forms N8S.
Identifiers: ClinVar variation 1313031 (VCV001313031.3), dbSNP rs2147332802, ClinGen allele CA412761511.

ClinVar aggregate classification (germline): Uncertain significance. Review status: criteria provided, multiple submitters, no conflicts (2 of 4 stars). 2 submissions from 2 submitters: Uncertain significance (2). Last evaluated 2021-08-25.

Submissions (2):

Blueprint Genetics
Classification: Uncertain significance. Last evaluated: 2021-08-25. Review status: criteria provided, single submitter. Criteria: ACMG Guidelines, 2015. Collection method: clinical testing. Allele origin: germline.

GeneDx
Classification: Uncertain significance. Last evaluated: 2020-07-08. Review status: criteria provided, single submitter. Criteria: GeneDx Variant Classification Process June 2021. Collection method: clinical testing. Allele origin: germline. Affected: yes.
Comment: Not observed in large population cohorts (Lek et al., 2016); In silico analysis supports that this missense variant has a deleterious effect on protein structure/function; Has not been previously published as pathogenic or benign to our knowledge